The following is an entry in ClinVar:

NM_001267550.2(TTN):c.42672G>T (p.Leu14224=)

Gene: TTN (titin; minus strand). Cytogenetic location: 2q31.2.
Variant type: single nucleotide variant.
Coding change: c.42672G>T on transcript NM_001267550.2 (MANE Select); coding-DNA position 42672, G replaced by T.
Protein change: p.Leu14224=; no amino-acid change (leucine 14224 retained).
Molecular consequence: synonymous variant.
Genome position (GRCh38, 1-based): chr2:178,633,827, C>A on the plus strand (G>T on the coding strand, the complement: TTN is on the minus strand). VCF-style: chr2-178633827-C-A. GRCh37 (hg19) VCF-style: chr2-179498554-C-A.
Other names: c.42672G>T (NM_001267550.1); c.37749G>T, p.Leu12583= (NM_001256850.1); c.15477G>T, p.Leu5159= (NM_003319.4); c.34968G>T, p.Leu11656= (NM_133378.4); c.15852G>T, p.Leu5284= (NM_133432.3); c.16053G>T, p.Leu5351= (NM_133437.4).
Identifiers: ClinVar variation 535721 (VCV000535721.39), dbSNP rs368155350, ClinGen allele CA1996037.

ClinVar aggregate classification (germline): Conflicting classifications of pathogenicity. Review status: criteria provided, conflicting classifications (1 of 4 stars). 8 submissions from 8 submitters: Uncertain significance (2); Benign (1); Likely benign (5). Last evaluated 2025-11-27.

Conditions:
Cardiovascular phenotype. Identifiers: MedGen CN230736.
Dilated cardiomyopathy 1G (CMD1G). Identifiers: Orphanet 154, MedGen C1858763, MONDO:0011400, OMIM 604145.
Autosomal recessive limb-girdle muscular dystrophy type 2J (LGMDR10). Also called: MUSCULAR DYSTROPHY, LIMB-GIRDLE, AUTOSOMAL RECESSIVE 10; Limb-girdle muscular dystrophy, type 2J. Identifiers: Orphanet 140922, MedGen C1837342, MONDO:0012127, OMIM 608807.
TTN-related disorder. Also called: TTN-related condition; TTN-related disease; TTN-related disorders.

Allele frequency attached by ClinVar (database versions not stated): ExAC 0.00002; gnomAD exomes 0.00003 and 0.00007; gnomAD 0.00004; TOPMed 0.00006; ESP Exome Variant Server 0.00008.
gnomAD v4.1: 111 of 1,613,064 alleles (0.0069%); highest among the groups gnomAD compares: Non-Finnish European, 0.0092%; no homozygotes.

Submissions (8):

Labcorp Genetics (formerly Invitae), Labcorp
Classification: Likely benign for Dilated cardiomyopathy 1G; Autosomal recessive limb-girdle muscular dystrophy type 2J. Last evaluated: 2025-11-27. Review status: criteria provided, single submitter. Criteria: Invitae Variant Classification Sherloc (09022015). Collection method: clinical testing. Allele origin: germline.

PreventionGenetics, part of Exact Sciences
Classification: Likely benign for TTN-related condition. Last evaluated: 2025-04-03. Review status: criteria provided, single submitter. Criteria: ACMG Guidelines, 2015. Collection method: clinical testing. Allele origin: germline.
Comment: This variant is classified as likely benign based on ACMG/AMP sequence variant interpretation guidelines (Richards et al. 2015 PMID: 25741868, with internal and published modifications).

Revvity Omics, Revvity
Classification: Uncertain significance. Last evaluated: 2025-02-24. Review status: criteria provided, single submitter. Criteria: ACMG Guidelines, 2015. Collection method: clinical testing. Allele origin: germline.

Blueprint Genetics
Classification: Likely benign. Last evaluated: 2024-02-27. Review status: criteria provided, single submitter. Criteria: ACMG Guidelines, 2015. Collection method: clinical testing. Allele origin: germline.

Athena Diagnostics
Classification: Likely benign. Last evaluated: 2024-01-26. Review status: criteria provided, single submitter. Criteria: Athena Diagnostics Criteria. Collection method: clinical testing. Allele origin: unknown.

GeneDx
Classification: Likely benign. Last evaluated: 2020-09-03. Review status: criteria provided, single submitter. Criteria: GeneDx Variant Classification Process June 2021. Collection method: clinical testing. Allele origin: germline. Affected: yes.

Ambry Genetics
Classification: Benign for Cardiovascular phenotype. Last evaluated: 2020-08-11. Review status: criteria provided, single submitter. Criteria: Ambry Variant Classification Scheme 2023. Collection method: clinical testing. Allele origin: germline.

Eurofins Ntd Llc (ga)
Classification: Uncertain significance. Last evaluated: 2017-07-05. Review status: criteria provided, single submitter. Criteria: EGL Classification Definitions 2015. Collection method: clinical testing. Allele origin: germline. Observed: 1 variant allele, 1 heterozygote.